The following is an entry in ClinVar:

NM_005560.6(LAMA5):c.4980G>A (p.Arg1660=)

Gene: LAMA5 (laminin subunit alpha 5; minus strand). Cytogenetic location: 20q13.33.
Variant type: single nucleotide variant.
Coding change: c.4980G>A on transcript NM_005560.6 (MANE Select); coding-DNA position 4980, G replaced by A.
Protein change: p.Arg1660=; no amino-acid change (arginine 1660 retained).
Molecular consequence: synonymous variant.
Genome position (GRCh38, 1-based): chr20:62,327,365, C>T on the plus strand (G>A on the coding strand, the complement: LAMA5 is on the minus strand). VCF-style: chr20-62327365-C-T. GRCh37 (hg19) VCF-style: chr20-60902421-C-T.
Identifiers: ClinVar variation 3053148 (VCV003053148.4), dbSNP rs781691598, ClinGen allele CA511326678.

ClinVar aggregate classification (germline): Likely benign. Review status: criteria provided, multiple submitters, no conflicts (2 of 4 stars). 3 submissions from 3 submitters: Likely benign (2). 1 of the submissions does not count toward it. Last evaluated 2025-07-21.

Conditions:
LAMA5-related disorder. Also called: LAMA5-Related Disorders; LAMA5-related condition.

gnomAD v4.1: 2 of 1,598,020 alleles (0.00013%); highest among the groups gnomAD compares: East Asian, 0.0045%; no homozygotes.

Submissions (3):

Labcorp Genetics (formerly Invitae), Labcorp
Classification: Likely benign. Last evaluated: 2025-07-21. Review status: criteria provided, single submitter. Criteria: Invitae Variant Classification Sherloc (09022015). Collection method: clinical testing. Allele origin: germline.

Blueprint Genetics
Classification: Likely benign. Last evaluated: 2024-06-17. Review status: criteria provided, single submitter. Criteria: ACMG Guidelines, 2015. Collection method: clinical testing. Allele origin: germline.

PreventionGenetics, part of Exact Sciences
Classification: Likely benign for LAMA5-related condition. Last evaluated: 2019-08-22. Review status: no assertion criteria provided. Collection method: clinical testing. Allele origin: germline. Not counted in ClinVar's aggregate classification.
Comment: This variant is classified as likely benign based on ACMG/AMP sequence variant interpretation guidelines (Richards et al. 2015 PMID: 25741868, with internal and published modifications).